The following is an entry in ClinVar:

ClinVar aggregate classification (germline): Pathogenic. Review status: reviewed by expert panel (3 of 4 stars). 2 submissions from 2 submitters: Pathogenic (1). 1 of the submissions does not count toward it. Last evaluated 2016-10-18.

Conditions:
Breast-ovarian cancer, familial, susceptibility to, 1 (BROVCA1). Also called: BRCA1 Hereditary Breast and Ovarian Cancer; OVARIAN CANCER, SUSCEPTIBILITY TO. Identifiers: Orphanet 145, MedGen C2676676, MONDO:0011450, OMIM 604370. Disease mechanism: loss of function.

Submissions (2):

Evidence-based Network for the Interpretation of Germline Mutant Alleles (ENIGMA)
Classification: Pathogenic for Breast-ovarian cancer, familial, susceptibility to, 1. Last evaluated: 2016-10-18. Review status: reviewed by expert panel. Criteria: ENIGMA BRCA1/2 Classification Criteria (2015). Collection method: curation. Allele origin: germline.
Comment: Variant allele predicted to encode a truncated non-functional protein.

Consortium of Investigators of Modifiers of BRCA1/2 (CIMBA), c/o University of Cambridge
Classification: Pathogenic for Breast-ovarian cancer, familial, susceptibility to, 1. Last evaluated: 2015-10-02. Review status: criteria provided, single submitter. Criteria: CIMBA Mutation Classification guidelines May 2016. Collection method: clinical testing. Allele origin: germline. Not counted in ClinVar's aggregate classification.

NM_007294.4(BRCA1):c.953del (p.His318fs)

Gene: BRCA1 (BRCA1 DNA repair associated; minus strand). Cytogenetic location: 17q21.31.
Variant type: Deletion.
Coding change: c.953del on transcript NM_007294.4 (MANE Select); coding-DNA position 953, one base deleted (A; older notation c.953delA).
Protein change: p.His318fs; shifts the reading frame from histidine 318.
Molecular consequence: frameshift variant. On other transcripts: intron variant (137).
Genome position (GRCh38, 1-based): chr17:43,094,578, T deleted on the plus strand (A on the coding strand, the reverse complement: BRCA1 is on the minus strand). VCF-style (leftmost placement, unchanged base first): chr17-43094577-AT-A. GRCh37 (hg19) VCF-style: chr17-41246594-AT-A.
Other names: 1072delA; c.646+166del (NM_001408456.1, NM_001408410.1, NM_001408458.1 and 11 more transcripts); c.643+166del (NM_001408465.1, NM_001408463.1, NM_001408462.1 and 3 more transcripts); c.577+166del (NM_001408482.1, NM_001408484.1, NM_001408478.1 and 9 more transcripts); c.520+166del (NM_001408504.1, NM_001408503.1, NM_001408505.1); c.523+166del (NM_001408499.1, NM_001408498.1, NM_001408501.1 and 3 more transcripts); c.670+1268del (NM_001408422.1, NM_001408418.1, NM_001408423.1 and 2 more transcripts); c.706+166del (NM_001408416.1, NM_001408413.1); and 42 more; short protein forms H271fs, H318fs, H229fs, H247fs, H276fs, H150fs, H191fs, H207fs.
Identifiers: ClinVar variation 266595 (VCV000266595.7), dbSNP rs886040333, ClinGen allele CA10589979.
Genomic context (GRCh38, chr17:43,094,577, plus strand): 5'-TTTTTCTGTGCTGGGAGTCCGCCTATCATTACATGTTTCCTTACTTCCAGCCCATCTGTT[AT>A]GTTGGCTCCTTGCTAAGCCAGGCTGTTTGCTTTTATTACAGAATTCAGCCTTTTCTACAT-3'